The following is an entry in ClinVar:

ClinVar aggregate classification (germline): Uncertain significance (1 of 4 stars; one submission).

Conditions:
Irido-corneo-trabecular dysgenesis (ASGD5). Also called: ANTERIOR SEGMENT DYSGENESIS 5. Identifiers: Orphanet 708, MedGen C0344559, MONDO:0011414, OMIM 604229, HP:0000659.
Aniridia 1 (AN1). Identifiers: Orphanet 250923, MedGen C0344542, MONDO:0024507, OMIM 106210.

Submission:

Labcorp Genetics (formerly Invitae), Labcorp
Classification: Uncertain significance for Aniridia 1; Irido-corneo-trabecular dysgenesis. Last evaluated: 2019-04-06. Review status: criteria provided, single submitter. Criteria: Invitae Variant Classification Sherloc (09022015). Collection method: clinical testing. Allele origin: germline.
Comment: This sequence change replaces glycine with tryptophan at codon 151 of the PAX6 protein (p.Gly151Trp). The glycine residue is highly conserved and there is a large physicochemical difference between glycine and tryptophan. This variant is not present in population databases (ExAC no frequency). This variant has not been reported in the literature in individuals with PAX6-related conditions. Algorithms developed to predict the effect of missense changes on protein structure and function are either unavailable or do not agree on the potential impact of this missense change (SIFT: "Deleterious"; PolyPhen-2: "Possibly Damaging"; Align-GVGD: "Class C15"). In summary, the available evidence is currently insufficient to determine the role of this variant in disease. Therefore, it has been classified as a Variant of Uncertain Significance.

NM_001368894.2(PAX6):c.493G>T (p.Gly165Trp)

Gene: PAX6 (paired box 6; minus strand). Cytogenetic location: 11p13.
Variant type: single nucleotide variant.
Coding change: c.493G>T on transcript NM_001368894.2 (MANE Select); coding-DNA position 493, G replaced by T.
Protein change: p.Gly165Trp; replaces glycine 165 with tryptophan.
Molecular consequence: missense variant. On other transcripts: non-coding transcript variant (2).
Genome position (GRCh38, 1-based): chr11:31,800,763, C>A on the plus strand (G>T on the coding strand, the complement: PAX6 is on the minus strand). VCF-style: chr11-31800763-C-A. GRCh37 (hg19) VCF-style: chr11-31822311-C-A.
Other names: c.451G>T, p.Gly151Trp (NM_000280.6, NM_001127612.3, NM_001258464.2 and 10 more transcripts); c.493G>T, p.Gly165Trp (NM_001258462.3, NM_001258463.2, NM_001310158.2 and 6 more transcripts); c.43G>T, p.Gly15Trp (NM_001368899.2, NM_001368900.2, NM_001368901.2 and 11 more transcripts); c.694G>T, p.Gly232Trp (NM_001368910.2); c.496G>T, p.Gly166Trp (NM_001368911.2); c.568G>T, p.Gly190Trp (NM_001368918.2, NM_001368919.2); c.526G>T, p.Gly176Trp (NM_001368920.2); c.292G>T, p.Gly98Trp (NM_001368921.2, NM_001368922.2, NM_001368923.2 and 4 more transcripts); and 1 more; short protein forms G15W, G176W, G190W, G98W, G232W, G166W, G151W, G165W.
Identifiers: ClinVar variation 840162 (VCV000840162.9), dbSNP rs1299258202, ClinGen allele CA379958114.